The following is an entry in ClinVar:

NM_000400.4(ERCC2):c.1359dup (p.Val454fs)

Gene: ERCC2 (ERCC excision repair 2, TFIIH core complex helicase subunit; minus strand). Cytogenetic location: 19q13.32.
Variant type: Duplication.
Coding change: c.1359dup on transcript NM_000400.4 (MANE Select); coding-DNA position 1359, one base duplicated (T; older notation c.1359dupT).
Protein change: p.Val454fs; shifts the reading frame from valine 454.
Molecular consequence: frameshift variant. On other transcripts: non-coding transcript variant (3).
Genome position (GRCh38, 1-based): chr19:45,357,492, A duplicated on the plus strand (T on the coding strand, the reverse complement: ERCC2 is on the minus strand). VCF-style (leftmost placement, unchanged base first): chr19-45357491-C-CA. GRCh37 (hg19) VCF-style: chr19-45860749-C-CA.
Other names: c.1287dup, p.Val430fs (NM_001440355.1); c.1281dup, p.Val428fs (NM_001440356.1); c.1236dup, p.Val413fs (NM_001440357.1); short protein forms V413fs, V428fs, V430fs, V454fs.
Identifiers: ClinVar variation 5014643 (VCV005014643.1).
Genomic context (GRCh38, chr19:45,357,491, plus strand): 5'-GAGGGAGGTCAGGGACTAGGAGGGGACGGGGAAGGGTCCTTACCCCAGATGTGATGATGA[C>CA]AGACTGGAAACGCTCAAATACGGGTTTGATGGCCAGCGAGGCGTCCATGCAGCTGGAGAG-3'

ClinVar aggregate classification (germline): Pathogenic (1 of 4 stars; one submission).

Conditions:
ERCC2-related disorder. Also called: ERCC2-related conditions; ERCC2-related condition; ERCC2-related disorders. Identifiers: MedGen CN239291.

Submission:

Myriad Genetics, Inc.
Classification: Pathogenic for ERCC2-related disorder. Last evaluated: 2025-06-24. Review status: criteria provided, single submitter. Criteria: Myriad Autosomal Dominant, Autosomal Recessive and X-Linked Classification Criteria (2023). Collection method: clinical testing. Allele origin: unknown.
Comment: NM_000400.3(ERCC2):c.1359dupT(V454Cfs*47) is expected to be pathogenic in the context of ERCC2-related disorders. This variant is predicted to lead to an abnormal or absent protein product due to the creation of a premature termination codon in ERCC2, a gene where loss-of-function variants are known to be pathogenic. Please note: this variant was assessed in the context of healthy population screening.